The following is an entry in ClinVar:

ClinVar aggregate classification (germline): Pathogenic (1 of 4 stars; one submission).

Conditions:
Anauxetic dysplasia. Identifiers: Orphanet 93347, MedGen C1846796, MONDO:0011773.

Submission:

Labcorp Genetics (formerly Invitae), Labcorp
Classification: Pathogenic for Anauxetic dysplasia. Last evaluated: 2022-11-01. Review status: criteria provided, single submitter. Criteria: Invitae Variant Classification Sherloc (09022015). Collection method: clinical testing. Allele origin: germline.
Comment: For these reasons, this variant has been classified as Pathogenic. While functional studies for this variant have not been reported, experimental analyses using patient derived cells, as well as in vitro transfection studies, have shown that promoter insertions result in silencing of RMRP transcription and reduced expression of the gene product (PMID: 11207361, 16254002). While this particular variant has not been reported in the literature, it is located in the promoter region between the TATA box and the transcription initiation site, and other insertions and duplications immediately upstream of the coding sequence have been reported in individuals affected with cartilage-hair hypoplasia-anauxetic dysplasia (CHH-AD) spectrum disorders (PMID: 16244706, 11207361, 12107819). This variant is not present in population databases (gnomAD no frequency). This variant occurs in the RMRP gene, which encodes an RNA molecule that does not result in a protein product.

Literature cited by the submitters: PubMed 11207361; PubMed 16254002; PubMed 16244706; PubMed 12107819.

NC_000009.12:g.35658022_35658023insTCTCAGCTTCACAGAGTAGTATTTACGT

Gene: RMRP (RNA component of mitochondrial RNA processing endoribonuclease; minus strand). Cytogenetic location: 9p13.3.
Variant type: Insertion.
Genome position: GRCh38 VCF-style: chr9-35658018-C-CACGTTCTCAGCTTCACAGAGTAGTATTT. GRCh37 (hg19) VCF-style: chr9-35658015-C-CACGTTCTCAGCTTCACAGAGTAGTATTT.
Identifiers: ClinVar variation 2811229 (VCV002811229.3), dbSNP rs1218494857, ClinGen allele CA2739269237.